The following is an entry in ClinVar:

ClinVar aggregate classification (germline): Uncertain significance. Review status: criteria provided, multiple submitters, no conflicts (2 of 4 stars). 6 submissions from 6 submitters: Uncertain significance (6). Last evaluated 2023-12-18.

Conditions:
Familial thoracic aortic aneurysm and aortic dissection (TAAD). Also called: Thoracic aortic aneurysms and dissections. Identifiers: Orphanet 91387, MedGen C4707243, MONDO:0019625.
Ehlers-Danlos syndrome, type 4 (EDSVASC). Also called: Ehlers-Danlos syndrome vascular type; Ehlers Danlos syndrome, ecchymotic type; Ehlers Danlos syndrome, arterial type; Ehlers Danlos syndrome, Sack-Barabas type; Ehlers-Danlos Syndrome Type IV. Identifiers: Orphanet 286, MedGen C0268338, MONDO:0017314, OMIM 130050.

Allele frequency attached by ClinVar (database versions not stated): gnomAD below 0.00001 and 0.00001; gnomAD exomes below 0.00001.
gnomAD v4.1: 3 of 1,613,176 alleles (0.00019%); highest among the groups gnomAD compares: Middle Eastern, 0.016%; no homozygotes.

Submissions (6):

All of Us Research Program, National Institutes of Health
Classification: Uncertain significance for Ehlers-Danlos syndrome, type 4. Last evaluated: 2023-12-18. Review status: criteria provided, single submitter. Criteria: ACMG Guidelines, 2015. Collection method: clinical testing. Allele origin: germline. Inheritance: Autosomal dominant inheritance. Observed: 3 variant alleles, 3 heterozygotes.
Comment: This missense variant replaces proline with histidine at codon 869 of the COL3A1 protein. Computational prediction is inconclusive regarding the impact of this variant on protein structure and function (internally defined REVEL score threshold 0.5 < inconclusive < 0.7, PMID: 27666373). To our knowledge, functional studies have not been reported for this variant. This variant has not been reported in individuals affected with cardiovascular disorders in the literature. This variant has been identified in 1/251212 chromosomes in the general population by the Genome Aggregation Database (gnomAD). The available evidence is insufficient to determine the role of this variant in disease conclusively. Therefore, this variant is classified as a Variant of Uncertain Significance.

This study involves interpretation of variants in research participants for the purpose of population health screening. Participant phenotype was not available at the time of variant classification. Additional details can be found in publication PMID: 35346344, PMCID: PMC8962531

Color Diagnostics, LLC DBA Color Health
Classification: Uncertain significance for Familial thoracic aortic aneurysm and aortic dissection. Last evaluated: 2023-11-22. Review status: criteria provided, single submitter. Criteria: ACMG Guidelines, 2015. Collection method: clinical testing. Allele origin: germline.
Comment: This missense variant replaces proline with histidine at codon 869 of the COL3A1 protein. Computational prediction tools indicate that this variant may have an uncertain impact on protein structure and function. To our knowledge, functional studies have not been reported for this variant. This variant has not been reported in individuals affected with COL3A1-related disorders in the literature. This variant has been identified in 1/251212 chromosomes in the general population by the Genome Aggregation Database (gnomAD). The available evidence is insufficient to determine the role of this variant in disease conclusively. Therefore, this variant is classified as a Variant of Uncertain Significance.

Revvity Omics, Revvity
Classification: Uncertain significance. Last evaluated: 2023-10-25. Review status: criteria provided, single submitter. Criteria: ACMG Guidelines, 2015. Collection method: clinical testing. Allele origin: germline.

Labcorp Genetics (formerly Invitae), Labcorp
Classification: Uncertain significance for Ehlers-Danlos syndrome, type 4. Last evaluated: 2023-07-29. Review status: criteria provided, single submitter. Criteria: Invitae Variant Classification Sherloc (09022015). Collection method: clinical testing. Allele origin: germline.
Comment: In summary, the available evidence is currently insufficient to determine the role of this variant in disease. Therefore, it has been classified as a Variant of Uncertain Significance. Experimental studies and prediction algorithms are not available or were not evaluated, and the functional significance of this variant is currently unknown. ClinVar contains an entry for this variant (Variation ID: 199732). This variant has not been reported in the literature in individuals affected with COL3A1-related conditions. This variant is present in population databases (rs794728052, gnomAD 0.003%). This sequence change replaces proline, which is neutral and non-polar, with histidine, which is basic and polar, at codon 869 of the COL3A1 protein (p.Pro869His).

Ambry Genetics
Classification: Uncertain significance for Familial thoracic aortic aneurysm and aortic dissection. Last evaluated: 2022-04-21. Review status: criteria provided, single submitter. Criteria: Ambry Variant Classification Scheme 2023. Collection method: clinical testing. Allele origin: germline.
Comment: The p.P869H variant (also known as c.2606C>A), located in coding exon 37 of the COL3A1 gene, results from a C to A substitution at nucleotide position 2606. The proline at codon 869 is replaced by histidine, an amino acid with similar properties. This amino acid position is well conserved in available vertebrate species. In addition, this alteration is predicted to be deleterious by in silico analysis. Since supporting evidence is limited at this time, the clinical significance of this alteration remains unclear.

GeneDx
Classification: Uncertain significance. Last evaluated: 2013-04-08. Review status: criteria provided, single submitter. Criteria: GeneDx Variant Classification (06012015). Collection method: clinical testing. Allele origin: germline. Affected: yes.
Comment: p.Pro869His (CCT>CAT): c.2606 C>A in exon 37 of the COL3A1 gene (NM_000090.3) The Pro869His variant in the COL3A1 gene has not been reported as a disease-causing mutation or as a benign polymorphism to our knowledge. Although Pro869His results in a non-conservative amino acid substitution of a non-polar Proline residue with a positively charged Histidine residue, the Pro869 position is not conserved across species. However, mutations affecting nearby residues (Gly852Cys, Gly879Val) have been reported in association with EDS, supporting the functional importance of this region of the protein. Furthermore, the Pro869His variant was not observed in approximately 6,500 individuals of European and African American ancestry in the NHLBI Exome Sequencing Project, indicating it is not a common benign variant in these populations. With the clinical and molecular information available at this time, we cannot definitively determine if Pro869His is a disease-causing mutation or a rare benign variant. The variant is found in TAAD panel(s).

NM_000090.4(COL3A1):c.2606C>A (p.Pro869His)

Gene: COL3A1 (collagen type III alpha 1 chain; plus strand). Cytogenetic location: 2q32.2.
Variant type: single nucleotide variant.
Coding change: c.2606C>A on transcript NM_000090.4 (MANE Select); coding-DNA position 2606, C replaced by A.
Protein change: p.Pro869His; replaces proline 869 with histidine.
Molecular consequence: missense variant.
Genome position (GRCh38, 1-based): chr2:189,003,463, C>A. VCF-style: chr2-189003463-C-A. GRCh37 (hg19) VCF-style: chr2-189868189-C-A.
Other names: p.P869H:CCT>CAT; short protein forms P869H.
Identifiers: ClinVar variation 199732 (VCV000199732.17), dbSNP rs794728052, ClinGen allele CA005535.